The following is an entry in ClinVar:

ClinVar aggregate classification (germline): Conflicting classifications of pathogenicity. Review status: criteria provided, conflicting classifications (1 of 4 stars). 7 submissions from 7 submitters: Pathogenic (1); Likely pathogenic (4); Uncertain significance (1). 1 of the submissions does not count toward it. Last evaluated 2025-07-21.

Conditions:
ISPD-related disorder.
Autosomal recessive limb-girdle muscular dystrophy type 2U. Also called: MUSCULAR DYSTROPHY, LIMB-GIRDLE, TYPE 2U; Muscular dystrophy-dystroglycanopathy (limb-girdle), type c, 7. Identifiers: Orphanet 352479, MedGen C5190987, MONDO:0014474, OMIM 616052.
Muscular dystrophy-dystroglycanopathy (congenital with brain and eye anomalies), type A, 7. Also called: WALKER-WARBURG SYNDROME OR MUSCLE-EYE-BRAIN DISEASE, ISPD-RELATED; Congenital muscular dystrophy-dystroglycanopathy with brain and eye anomalies, type A7. Identifiers: Orphanet 899, MedGen C3553330, MONDO:0013835, OMIM 614643.
Muscular dystrophy-dystroglycanopathy. Also called: Congenital muscular dystrophy due to dystroglycanopathy. Identifiers: Orphanet 370953, MedGen C5679911, MONDO:0018276.

Allele frequency attached by ClinVar (database versions not stated): ExAC 0.00001; gnomAD exomes 0.00002; TOPMed 0.00003; gnomAD 0.00005; ESP Exome Variant Server 0.00026.

Submissions (7):

Labcorp Genetics (formerly Invitae), Labcorp
Classification: Pathogenic for Muscular dystrophy-dystroglycanopathy (congenital with brain and eye anomalies), type A, 7; Autosomal recessive limb-girdle muscular dystrophy type 2U. Last evaluated: 2025-07-21. Review status: criteria provided, single submitter. Criteria: Invitae Variant Classification Sherloc (09022015). Collection method: clinical testing. Allele origin: germline.
Comment: This variant, c.277_279del, results in the deletion of 1 amino acid(s) of the ISPD protein (p.Ile93del), but otherwise preserves the integrity of the reading frame. This variant is present in population databases (rs397515398, gnomAD 0.008%). This variant has been observed in individual(s) with clinical features of Walker-Warburg syndrome (PMID: 2522420; internal data). In at least one individual the data is consistent with being in trans (on the opposite chromosome) from a pathogenic variant. It has also been observed to segregate with disease in related individuals. ClinVar contains an entry for this variant (Variation ID: 31564). Experimental studies and prediction algorithms are not available or were not evaluated, and the functional significance of this variant is currently unknown. For these reasons, this variant has been classified as Pathogenic.

GeneDx
Classification: Likely pathogenic. Last evaluated: 2025-05-12. Review status: criteria provided, single submitter. Criteria: GeneDx Variant Classification Process June 2021. Collection method: clinical testing. Allele origin: germline. Affected: yes.
Comment: In silico analysis supports a deleterious effect on protein structure/function; In-frame deletion of one amino acid in a non-repeat region; Not observed at significant frequency in large population cohorts (gnomAD); This variant is associated with the following publications: (PMID: 26687144, 22522420, 34485198, 30564623, Gencpnar_2019)

Revvity Omics, Revvity
Classification: Likely pathogenic. Last evaluated: 2024-03-29. Review status: criteria provided, single submitter. Criteria: ACMG Guidelines, 2015. Collection method: clinical testing. Allele origin: germline.

Blueprint Genetics
Classification: Likely pathogenic for ISPD-related disorders. Last evaluated: 2023-01-30. Review status: criteria provided, single submitter. Criteria: ACMG Guidelines, 2015. Collection method: clinical testing. Allele origin: germline. Affected: yes. Observed: 1 variant allele.

Genetic Services Laboratory, University of Chicago
Classification: Likely pathogenic for Muscular dystrophy-dystroglycanopathy. Last evaluated: 2016-06-15. Review status: criteria provided, single submitter. Criteria: ACMG Guidelines, 2015. Collection method: clinical testing. Allele origin: germline. Affected: yes.

Eurofins Ntd Llc (ga)
Classification: Uncertain significance. Last evaluated: 2016-04-27. Review status: criteria provided, single submitter. Criteria: EGL Classification Definitions 2015. Collection method: clinical testing. Allele origin: germline. Observed: 2 variant alleles, 2 heterozygotes.

OMIM
Classification: Pathogenic for MUSCULAR DYSTROPHY-DYSTROGLYCANOPATHY (CONGENITAL WITH BRAIN AND EYE ANOMALIES), TYPE A, 7. Last evaluated: 2012-05-01. Review status: no assertion criteria provided. Collection method: literature only. Allele origin: germline. Not counted in ClinVar's aggregate classification.

Literature cited by the submitters: PubMed 2522420 (cited by Labcorp Genetics (formerly Invitae), Labcorp); PubMed 22522420 (cited by OMIM).

NM_001101426.4(CRPPA):c.277_279del (p.Ile93del)

Gene: CRPPA (CDP-L-ribitol pyrophosphorylase A; minus strand). Cytogenetic location: 7p21.2.
Variant type: Deletion.
Coding change: c.277_279del on transcript NM_001101426.4 (MANE Select); coding-DNA positions 277 to 279, 3 bases deleted (ATT; older notation c.277_279delATT).
Protein change: p.Ile93del; deletes isoleucine 93.
Molecular consequence: inframe deletion. On other transcripts: non-coding transcript variant (1).
Genome position (GRCh38, 1-based): chr7:16,406,316-16,406,318, AAT deleted on the plus strand (ATT on the coding strand, the reverse complement: CRPPA is on the minus strand). VCF-style (leftmost placement, unchanged base first): chr7-16406315-CAAT-C. GRCh37 (hg19) VCF-style: chr7-16445940-CAAT-C.
Other names: c.277_279del, p.Ile93del (NM_001101417.4, NM_001368197.1); short protein forms I93del.
Identifiers: ClinVar variation 31564 (VCV000031564.27), dbSNP rs397515398, ClinGen allele CA260025.